The following is an entry in ClinVar:

NM_014727.3(KMT2B):c.7015C>T (p.Arg2339Trp)

Gene: KMT2B (lysine methyltransferase 2B; plus strand). Cytogenetic location: 19q13.12.
Variant type: single nucleotide variant.
Coding change: c.7015C>T on transcript NM_014727.3 (MANE Select); coding-DNA position 7015, C replaced by T.
Protein change: p.Arg2339Trp; replaces arginine 2339 with tryptophan.
Molecular consequence: missense variant.
Genome position (GRCh38, 1-based): chr19:35,733,652, C>T. VCF-style: chr19-35733652-C-T. GRCh37 (hg19) VCF-style: chr19-36224553-C-T.
Other names: short protein forms R2339W.
Identifiers: ClinVar variation 4997045 (VCV004997045.1).

ClinVar aggregate classification (germline): Uncertain significance (1 of 4 stars; one submission).

Conditions:
KMT2B-related disorder. Also called: KMT2B-related disorders; KMT2B-related condition. Identifiers: MedGen CN381338.

Submission:

PreventionGenetics, part of Exact Sciences
Classification: Uncertain significance for KMT2B-related condition. Last evaluated: 2026-06-17. Review status: criteria provided, single submitter. Criteria: ACMG Guidelines, 2015. Collection method: clinical testing. Allele origin: germline.
Comment: The KMT2B c.7015C>T variant is predicted to result in the amino acid substitution p.Arg2339Trp. To our knowledge, this variant has not been reported in the literature. This variant is reported in 0.0061% of alleles in individuals of East Asian descent in gnomAD. At this time, the clinical significance of this variant is uncertain due to the absence of conclusive functional and genetic evidence.